The following is an entry in ClinVar:

NM_170707.4(LMNA):c.*45C>T

Gene: LMNA (lamin A/C; plus strand). Cytogenetic location: 1q22.
Variant type: single nucleotide variant.
Coding change: c.*45C>T on transcript NM_170707.4 (MANE Select); 45 bases downstream of the stop codon, C replaced by T.
Molecular consequence: 3 prime UTR variant. On other transcripts: intron variant (4).
Genome position (GRCh38, 1-based): chr1:156,139,151, C>T. VCF-style: chr1-156139151-C-T. GRCh37 (hg19) VCF-style: chr1-156108942-C-T.
Other names: c.*45C>T (NM_001282626.2, NM_001406983.1, NM_001406986.1 and 12 more transcripts); c.1367+49C>T (NM_001406994.1); c.1991+49C>T (NM_001406985.1); c.1433+49C>T (NM_001406990.1); c.1655+49C>T (NM_001257374.3).
Identifiers: ClinVar variation 4978644 (VCV004978644.1).

ClinVar aggregate classification (germline): Likely benign (1 of 4 stars; one submission).

Conditions:
LMNA-related disorder. Also called: LMNA-related condition; LMNA-related disease; LMNA-related disorders. Identifiers: MedGen CN380145.

gnomAD v4.1: 81 of 1,612,792 alleles (0.005%); highest among the groups gnomAD compares: Non-Finnish European, 0.0061%; no homozygotes.

Submission:

PreventionGenetics, part of Exact Sciences
Classification: Likely benign for LMNA-related condition. Last evaluated: 2025-12-15. Review status: criteria provided, single submitter. Criteria: ACMG Guidelines, 2015. Collection method: clinical testing. Allele origin: germline.
Comment: This variant is classified as likely benign based on ACMG/AMP sequence variant interpretation guidelines (Richards et al. 2015 PMID: 25741868, with internal and published modifications).